The following is an entry in ClinVar:

ClinVar aggregate classification (germline): Uncertain significance. Review status: criteria provided, multiple submitters, no conflicts (2 of 4 stars). 3 submissions from 3 submitters: Uncertain significance (3). Last evaluated 2024-03-11.

Conditions:
Cardiovascular phenotype. Identifiers: MedGen CN230736.
Dilated cardiomyopathy 1KK (CMD1KK). Identifiers: Orphanet 154, Orphanet 75249, MedGen C3714995, MONDO:0014100, OMIM 615248.

Allele frequency attached by ClinVar (database versions not stated): gnomAD exomes 0.00002 and 0.00003; ExAC 0.00003.
gnomAD v4.1: 28 of 1,614,018 alleles (0.0017%); highest among the groups gnomAD compares: South Asian, 0.026%; no homozygotes.

Submissions (3):

Labcorp Genetics (formerly Invitae), Labcorp
Classification: Uncertain significance for Dilated cardiomyopathy 1KK. Last evaluated: 2024-03-11. Review status: criteria provided, single submitter. Criteria: Invitae Variant Classification Sherloc (09022015). Collection method: clinical testing. Allele origin: germline.
Comment: This sequence change replaces arginine, which is basic and polar, with lysine, which is basic and polar, at codon 1218 of the MYPN protein (p.Arg1218Lys). This variant is present in population databases (rs768630077, gnomAD 0.02%). This variant has not been reported in the literature in individuals affected with MYPN-related conditions. ClinVar contains an entry for this variant (Variation ID: 263734). An algorithm developed to predict the effect of missense changes on protein structure and function (PolyPhen-2) suggests that this variant is likely to be disruptive. In summary, the available evidence is currently insufficient to determine the role of this variant in disease. Therefore, it has been classified as a Variant of Uncertain Significance.

CeGaT Center for Human Genetics Tuebingen
Classification: Uncertain significance. Last evaluated: 2022-07-01. Review status: criteria provided, single submitter. Criteria: CeGaT Center For Human Genetics Tuebingen Variant Classification Criteria Version 2. Collection method: clinical testing. Allele origin: germline. Affected: yes. Observed: 1 variant allele.

Ambry Genetics
Classification: Uncertain significance for Cardiovascular phenotype. Last evaluated: 2013-09-10. Review status: criteria provided, single submitter. Criteria: Ambry Autosomal Dominant and X-Linked criteria (10/2015). Collection method: clinical testing. Allele origin: germline. Observed: 1 variant allele.
Comment: The p.R1218K variant (also known as c.3653G>A) is located in coding exon 17 of the MYPN gene. This alteration results from a G to A substitution at nucleotide position 3653. The arginine at codon 1218 is replaced by lysine, an amino acid with highly similar properties. This variant was not reported in population-based cohorts in the following databases: Database of Single Nucleotide Polymorphisms (dbSNP), the 1000 Genomes Project and the NHLBI Exome Sequencing Project (ESP). In the ESP, this variant was not observed in 6503 samples (13006 alleles) with coverage at this position. Based on protein sequence alignment, this amino acid position is highly conserved in available vertebrate species. In addition, this alteration is predicted to be probably damaging and deleterious by PolyPhen and SIFT in silico analyses, respectively.Since supporting evidence is limited at this time, the clinical significance of this variant remains unclear.

NM_032578.4(MYPN):c.3653G>A (p.Arg1218Lys)

Gene: MYPN (myopalladin; plus strand). Cytogenetic location: 10q21.3.
Variant type: single nucleotide variant.
Coding change: c.3653G>A on transcript NM_032578.4 (MANE Select); coding-DNA position 3653, G replaced by A.
Protein change: p.Arg1218Lys; replaces arginine 1218 with lysine.
Molecular consequence: missense variant. On other transcripts: non-coding transcript variant (2).
Genome position (GRCh38, 1-based): chr10:68,201,988, G>A. VCF-style: chr10-68201988-G-A. GRCh37 (hg19) VCF-style: chr10-69961745-G-A.
Other names: c.3653G>A, p.Arg1218Lys (NM_001256267.2); c.2771G>A, p.Arg924Lys (NM_001256268.2); short protein forms R1218K, R924K.
Identifiers: ClinVar variation 263734 (VCV000263734.30), dbSNP rs768630077, ClinGen allele CA5523107.